The following is an entry in ClinVar:

NM_006579.3(EBP):c.383T>G (p.Leu128Arg)

Gene: EBP (EBP cholestenol delta-isomerase; plus strand). Cytogenetic location: Xp11.23.
Variant type: single nucleotide variant.
Coding change: c.383T>G on transcript NM_006579.3 (MANE Select); coding-DNA position 383, T replaced by G.
Protein change: p.Leu128Arg; replaces leucine 128 with arginine.
Molecular consequence: missense variant.
Genome position (GRCh38, 1-based): chrX:48,527,199, T>G. VCF-style: chrX-48527199-T-G. GRCh37 (hg19) VCF-style: chrX-48385587-T-G.
Other names: short protein forms L128R.
Identifiers: ClinVar variation 1041373 (VCV001041373.8), dbSNP rs2061781897, ClinGen allele CA412852442.

ClinVar aggregate classification (germline): Uncertain significance (1 of 4 stars; one submission).

Submission:

Labcorp Genetics (formerly Invitae), Labcorp
Classification: Uncertain significance. Last evaluated: 2020-03-14. Review status: criteria provided, single submitter. Criteria: Invitae Variant Classification Sherloc (09022015). Collection method: clinical testing. Allele origin: germline.
Comment: Algorithms developed to predict the effect of missense changes on protein structure and function are either unavailable or do not agree on the potential impact of this missense change (SIFT: "Deleterious"; PolyPhen-2: "Possibly Damaging"; Align-GVGD: "Class C0"). In summary, the available evidence is currently insufficient to determine the role of this variant in disease. Therefore, it has been classified as a Variant of Uncertain Significance. This sequence change replaces leucine with arginine at codon 128 of the EBP protein (p.Leu128Arg). The leucine residue is moderately conserved and there is a moderate physicochemical difference between leucine and arginine. This variant is not present in population databases (ExAC no frequency). This variant has not been reported in the literature in individuals with EBP-related conditions.